The following is an entry in ClinVar:

NM_004646.4(NPHS1):c.1628-1G>C

Gene: NPHS1 (NPHS1 adhesion molecule, nephrin; minus strand). Cytogenetic location: 19q13.12.
Variant type: single nucleotide variant.
Coding change: c.1628-1G>C on transcript NM_004646.4 (MANE Select); the canonical splice acceptor site of the intron before coding-DNA position 1628, G replaced by C.
Molecular consequence: splice acceptor variant.
Genome position (GRCh38, 1-based): chr19:35,845,799, C>G on the plus strand (G>C on the coding strand, the complement: NPHS1 is on the minus strand). VCF-style: chr19-35845799-C-G. GRCh37 (hg19) VCF-style: chr19-36336701-C-G.
Identifiers: ClinVar variation 4815379 (VCV004815379.1).
Genomic context (GRCh38, chr19:35,845,799, plus strand): 5'-AGGCGTCTCCCGGGCGCAGTGCGGATGCGTTGGCCAGGATCGTCACGTTAGTTGGGGGAA[C>G]TGGGAGACGGGGTTGGAGGAGCGAGACTCAGAGGTTAGGGGCGGCCTGGTCTGCGTCCAC-3'

ClinVar aggregate classification (germline): Likely pathogenic (1 of 4 stars; one submission).

Conditions:
Finnish congenital nephrotic syndrome (NPHS1). Also called: NEPHROTIC SYNDROME, TYPE 1. Identifiers: Orphanet 839, MedGen C0403399, MONDO:0009732, OMIM 256300.

Submission:

Natera, Inc.
Classification: Likely pathogenic for Finnish congenital nephrotic syndrome. Last evaluated: 2025-12-31. Review status: criteria provided, single submitter. Criteria: Natera Variant Classification Schema (03/2026). Collection method: clinical testing. Allele origin: germline.
Comment: The c.1628-1G>C variant in NPHS1 is a canonical splice acceptor site variant predicted to affect pre-mRNA splicing, which may result in an abnormal transcript and altered protein product. This variant is expected to result in nonsense mediated decay, truncation, or a dysfunctional protein product. This variant is rare in the general population with a frequency below the threshold expected for the associated phenotype(s). Given the available evidence, this variant is classified as Likely Pathogenic.